The following is an entry in ClinVar:

NM_001130438.3(SPTAN1):c.5213C>G (p.Ser1738Cys)

Gene: SPTAN1 (spectrin alpha, non-erythrocytic 1; plus strand). Cytogenetic location: 9q34.11.
Variant type: single nucleotide variant.
Coding change: c.5213C>G on transcript NM_001130438.3 (MANE Select); coding-DNA position 5213, C replaced by G.
Protein change: p.Ser1738Cys; replaces serine 1738 with cysteine.
Molecular consequence: missense variant.
Genome position (GRCh38, 1-based): chr9:128,615,696, C>G. VCF-style: chr9-128615696-C-G. GRCh37 (hg19) VCF-style: chr9-131377975-C-G.
Other names: c.5138C>G, p.Ser1713Cys (NM_001195532.2); c.5213C>G, p.Ser1738Cys (NM_001363759.2, NM_001375310.1, NM_001375311.2 and 1 more transcripts); c.5153C>G, p.Ser1718Cys (NM_001363765.2, NM_001375314.2); c.5249C>G, p.Ser1750Cys (NM_001375312.2, NM_001375318.1); c.5198C>G, p.Ser1733Cys (NM_003127.4); short protein forms S1733C, S1718C, S1713C, S1738C, S1750C.
Identifiers: ClinVar variation 1386724 (VCV001386724.7), dbSNP rs2131744493, ClinGen allele CA375074427.
Genomic context (GRCh38, chr9:128,615,696, plus strand): 5'-GCCTGAAGGACCTGAACAGCCAGGCAGACAGCCTGATGACCAGCAGTGCCTTCGACACCT[C>G]CCAAGTAAAGGACAAGAGGGACACCATCAACGGGCGCTTCCAGAAGATCAAGAGCATGGC-3'
Protein context (NP_001123910.1, residues 1728-1748): SLMTSSAFDT[Ser1738Cys]QVKDKRDTIN

ClinVar aggregate classification (germline): Uncertain significance (1 of 4 stars; one submission).

Conditions:
Early-infantile DEE. Also called: Early infantile epileptic encephalopathy with suppression bursts; Early infantile epileptic encephalopathy; Ohtahara syndrome. Identifiers: Orphanet 1934, MedGen C0393706, MONDO:0800491.

Submission:

Labcorp Genetics (formerly Invitae), Labcorp
Classification: Uncertain significance for Early-infantile DEE. Last evaluated: 2023-08-30. Review status: criteria provided, single submitter. Criteria: Invitae Variant Classification Sherloc (09022015). Collection method: clinical testing. Allele origin: germline.
Comment: This sequence change replaces serine, which is neutral and polar, with cysteine, which is neutral and slightly polar, at codon 1738 of the SPTAN1 protein (p.Ser1738Cys). This variant is not present in population databases (gnomAD no frequency). In summary, the available evidence is currently insufficient to determine the role of this variant in disease. Therefore, it has been classified as a Variant of Uncertain Significance. Advanced modeling of protein sequence and biophysical properties (such as structural, functional, and spatial information, amino acid conservation, physicochemical variation, residue mobility, and thermodynamic stability) has been performed at Invitae for this missense variant, however the output from this modeling did not meet the statistical confidence thresholds required to predict the impact of this variant on SPTAN1 protein function. ClinVar contains an entry for this variant (Variation ID: 1386724). This variant has not been reported in the literature in individuals affected with SPTAN1-related conditions.